The following is an entry in ClinVar:

NM_012330.4(KAT6B):c.3152G>C (p.Ser1051Thr)

Gene: KAT6B (lysine acetyltransferase 6B; plus strand). Cytogenetic location: 10q22.2.
Variant type: single nucleotide variant.
Coding change: c.3152G>C on transcript NM_012330.4 (MANE Select); coding-DNA position 3152, G replaced by C.
Protein change: p.Ser1051Thr; replaces serine 1051 with threonine.
Molecular consequence: missense variant.
Genome position (GRCh38, 1-based): chr10:75,022,011, G>C. VCF-style: chr10-75022011-G-C. GRCh37 (hg19) VCF-style: chr10-76781769-G-C.
Other names: c.2603G>C, p.Ser868Thr (NM_001256468.2, NM_001370138.1); c.2276G>C, p.Ser759Thr (NM_001256469.2, NM_001370139.1, NM_001370140.1 and 2 more transcripts); c.2114G>C, p.Ser705Thr (NM_001370132.1); c.1463G>C, p.Ser488Thr (NM_001370133.1); c.1067G>C, p.Ser356Thr (NM_001370134.1); c.809G>C, p.Ser270Thr (NM_001370135.1); c.3152G>C, p.Ser1051Thr (NM_001370136.1, NM_001370137.1); c.2087G>C, p.Ser696Thr (NM_001370143.1, NM_001370144.1); short protein forms S1051T, S270T, S356T, S696T, S705T, S759T, S488T, S868T.
Identifiers: ClinVar variation 2001576 (VCV002001576.4), dbSNP rs2549169189, ClinGen allele CA377283916.

ClinVar aggregate classification (germline): Uncertain significance (1 of 4 stars; one submission).

Conditions:
Genitopatellar syndrome (GTPTS). Also called: ABSENT PATELLAE, SCROTAL HYPOPLASIA, RENAL ANOMALIES, FACIAL DYSMORPHISM, AND MENTAL RETARDATION; Genitopatellar syndrome (GPS). Identifiers: Orphanet 85201, MedGen C1853566, MONDO:0011640, OMIM 606170.

Submission:

Labcorp Genetics (formerly Invitae), Labcorp
Classification: Uncertain significance for Genitopatellar syndrome. Last evaluated: 2022-06-09. Review status: criteria provided, single submitter. Criteria: Invitae Variant Classification Sherloc (09022015). Collection method: clinical testing. Allele origin: germline.
Comment: In summary, the available evidence is currently insufficient to determine the role of this variant in disease. Therefore, it has been classified as a Variant of Uncertain Significance. Algorithms developed to predict the effect of missense changes on protein structure and function (SIFT, PolyPhen-2, Align-GVGD) all suggest that this variant is likely to be tolerated. This variant has not been reported in the literature in individuals affected with KAT6B-related conditions. This variant is not present in population databases (gnomAD no frequency). This sequence change replaces serine, which is neutral and polar, with threonine, which is neutral and polar, at codon 1051 of the KAT6B protein (p.Ser1051Thr).